The following is an entry in ClinVar:

ClinVar aggregate classification (germline): Uncertain significance. Review status: criteria provided, multiple submitters, no conflicts (2 of 4 stars). 3 submissions from 3 submitters: Uncertain significance (3). Last evaluated 2025-01-08.

Conditions:
Hereditary cancer-predisposing syndrome. Also called: Hereditary Cancer Syndrome; Neoplastic Syndromes, Hereditary; Hereditary neoplastic syndrome; Tumor predisposition. Identifiers: Orphanet 140162, MedGen C0027672, MeSH D009386, MONDO:0015356.
Basal cell carcinoma, susceptibility to, 1. Also called: BCC1. Identifiers: MedGen C2751544, MONDO:0011556, OMIM 605462.
Gorlin syndrome. Also called: Nevoid Basal Cell Carcinoma Syndrome; Basal cell nevus syndrome. Identifiers: Orphanet 377, MedGen C0004779, MONDO:0007187.
Holoprosencephaly 7 (HPE7). Identifiers: Orphanet 2162, MedGen C1835820, MONDO:0012562, OMIM 610828.

Allele frequency attached by ClinVar (database versions not stated): gnomAD exomes below 0.00001.
gnomAD v4.1: 2 of 1,614,158 alleles (0.00012%); highest among the groups gnomAD compares: Non-Finnish European, 0.00017%; no homozygotes.

Submissions (3):

Labcorp Genetics (formerly Invitae), Labcorp
Classification: Uncertain significance for Gorlin syndrome. Last evaluated: 2025-01-08. Review status: criteria provided, single submitter. Criteria: Invitae Variant Classification Sherloc (09022015). Collection method: clinical testing. Allele origin: germline.
Comment: This sequence change replaces tryptophan, which is neutral and slightly polar, with cysteine, which is neutral and slightly polar, at codon 730 of the PTCH1 protein (p.Trp730Cys). This variant is not present in population databases (gnomAD no frequency). This variant has not been reported in the literature in individuals affected with PTCH1-related conditions. ClinVar contains an entry for this variant (Variation ID: 820838). Invitae Evidence Modeling of protein sequence and biophysical properties (such as structural, functional, and spatial information, amino acid conservation, physicochemical variation, residue mobility, and thermodynamic stability) has been performed for this missense variant. However, the output from this modeling did not meet the statistical confidence thresholds required to predict the impact of this variant on PTCH1 protein function. In summary, the available evidence is currently insufficient to determine the role of this variant in disease. Therefore, it has been classified as a Variant of Uncertain Significance.

Ambry Genetics
Classification: Uncertain significance for Hereditary cancer-predisposing syndrome. Last evaluated: 2023-11-14. Review status: criteria provided, single submitter. Criteria: Ambry Variant Classification Scheme 2023. Collection method: clinical testing. Allele origin: germline.
Comment: The p.W730C variant (also known as c.2190G>C), located in coding exon 14 of the PTCH1 gene, results from a G to C substitution at nucleotide position 2190. The tryptophan at codon 730 is replaced by cysteine, an amino acid with highly dissimilar properties. This amino acid position is highly conserved in available vertebrate species. In addition, this alteration is predicted to be deleterious by in silico analysis. Since supporting evidence is limited at this time, the clinical significance of this alteration remains unclear.

Fulgent Genetics
Classification: Uncertain significance for Basal cell nevus syndrome 1; Basal cell carcinoma, susceptibility to, 1; Holoprosencephaly 7. Last evaluated: 2022-03-06. Review status: criteria provided, single submitter. Criteria: ACMG Guidelines, 2015. Collection method: clinical testing. Allele origin: unknown.

NM_000264.5(PTCH1):c.2190G>C (p.Trp730Cys)

Genes: PTCH1 (patched 1; minus strand), LOC100507346 (uncharacterized LOC100507346; plus strand). Cytogenetic location: 9q22.32.
Variant type: single nucleotide variant.
Coding change: c.2190G>C on transcript NM_000264.5 (MANE Select); coding-DNA position 2190, G replaced by C.
Protein change: p.Trp730Cys; replaces tryptophan 730 with cysteine.
Molecular consequence: missense variant. On other transcripts: non-coding transcript variant (2).
Genome position (GRCh38, 1-based): chr9:95,468,811, C>G on the plus strand (G>C on the coding strand, the complement: PTCH1 is on the minus strand). VCF-style: chr9-95468811-C-G. GRCh37 (hg19) VCF-style: chr9-98231093-C-G.
Other names: c.1992G>C, p.Trp664Cys (NM_001083602.3); c.2187G>C, p.Trp729Cys (NM_001083603.3); c.1737G>C, p.Trp579Cys (NM_001083604.3, NM_001083605.3, NM_001083606.3 and 1 more transcripts); c.2034G>C, p.Trp678Cys (NM_001354918.2); short protein forms W664C, W729C, W730C, W678C, W579C.
Identifiers: ClinVar variation 820838 (VCV000820838.11), dbSNP rs1131690992, ClinGen allele CA374115389.
Genomic context (GRCh38, chr9:95,468,811, plus strand): 5'-CTTGGCTTTTGGTTTCAAGAGGAAAGGAGCATAGTGCTTCTCAGCAAAAGATGAGAGTGT[C>G]CACTTCGTACAGGGGGGCTCGAGGCAGTGGAGGCTGGAGTCGGAGAACTGGGAGAGCAGG-3'
Protein context (NP_000255.2, residues 720-740): LHCLEPPCTK[Trp730Cys]TLSSFAEKHY